The following is an entry in ClinVar:

NM_001148.6(ANK2):c.964G>C (p.Gly322Arg)

Gene: ANK2 (ankyrin 2; plus strand). Cytogenetic location: 4q26.
Variant type: single nucleotide variant.
Coding change: c.964G>C on transcript NM_001148.6 (MANE Select); coding-DNA position 964, G replaced by C.
Protein change: p.Gly322Arg; replaces glycine 322 with arginine.
Molecular consequence: missense variant.
Genome position (GRCh38, 1-based): chr4:113,249,836, G>C. VCF-style: chr4-113249836-G-C. GRCh37 (hg19) VCF-style: chr4-114170992-G-C.
Other names: c.901G>C, p.Gly301Arg (NM_001127493.3, NM_001354252.2, NM_001354253.2 and 14 more transcripts); c.964G>C, p.Gly322Arg (NM_001354225.2, NM_001354228.2, NM_001354232.2 and 9 more transcripts); c.1009G>C, p.Gly337Arg (NM_001354230.2, NM_001354231.2, NM_001386152.1 and 5 more transcripts); c.877G>C, p.Gly293Arg (NM_001354249.2, NM_001354260.2, NM_001386146.1 and 16 more transcripts); c.922G>C, p.Gly308Arg (NM_001386147.1, NM_001354261.2, NM_001386160.1); c.952G>C, p.Gly318Arg (NM_001386148.2, NM_001354269.3, NM_001386186.2); c.1015G>C, p.Gly339Arg (NM_001386174.1); c.991G>C, p.Gly331Arg (NM_001386175.1); and 1 more; short protein forms G322R, G308R, G310R, G337R, G339R, G301R, G331R, G293R.
Identifiers: ClinVar variation 5021918 (VCV005021918.1).
Genomic context (GRCh38, chr4:113,249,836, plus strand): 5'-CCACTTCACTGTGCTGCACGAAGTGGGCATGACCAAGTGGTGGAACTTCTGTTGGAACGG[G>C]GTGCCCCCTTGCTGGCAAGGACTAAGGTGAGTCATTATGAGTAAGATGGGGTCCTAAGAA-3'
Protein context (NP_001139.3, residues 312-332): DQVVELLLER[Gly322Arg]APLLARTKNG

ClinVar aggregate classification (germline): Uncertain significance (1 of 4 stars; one submission).

Conditions:
Cardiovascular phenotype. Identifiers: MedGen CN230736.

Submission:

Ambry Genetics
Classification: Uncertain significance for Cardiovascular phenotype. Last evaluated: 2026-07-01. Review status: criteria provided, single submitter. Criteria: Ambry Variant Classification Scheme 2023. Collection method: clinical testing. Allele origin: germline.
Comment: The p.G322R variant (also known as c.964G>C), located in coding exon 10 of the ANK2 gene, results from a G to C substitution at nucleotide position 964. The glycine at codon 322 is replaced by arginine, an amino acid with dissimilar properties. This amino acid position is conserved. In addition, the in silico prediction for this alteration is inconclusive. Based on the available evidence, the clinical significance of this variant remains unclear.